The following is an entry in ClinVar:

NM_000459.5(TEK):c.313C>T (p.Arg105Ter)

Gene: TEK (TEK receptor tyrosine kinase; plus strand). Cytogenetic location: 9p21.2.
Variant type: single nucleotide variant.
Coding change: c.313C>T on transcript NM_000459.5 (MANE Select); coding-DNA position 313, C replaced by T.
Protein change: p.Arg105Ter; replaces arginine 105 with a stop codon.
Molecular consequence: nonsense. On other transcripts: intron variant (1).
Genome position (GRCh38, 1-based): chr9:27,158,091, C>T. VCF-style: chr9-27158091-C-T. GRCh37 (hg19) VCF-style: chr9-27158089-C-T.
Other names: c.313C>T, p.Arg105Ter (NM_001375475.1, NM_001375476.1, NM_001290077.2); c.53-10404C>T (NM_001290078.2); short protein forms R105*.
Identifiers: ClinVar variation 5007436 (VCV005007436.2).

ClinVar aggregate classification (germline): Uncertain significance (1 of 4 stars; one submission).

Conditions:
Glaucoma 3, primary congenital, E (GLC3E). Identifiers: MedGen C4310639, MONDO:0014998, OMIM 617272.
Multiple cutaneous and mucosal venous malformations (VMCM). Also called: TEK-Related Multiple Cutaneous and Mucosal Venous Malformations (VMCM). Identifiers: Orphanet 2451, MedGen C1838437, MONDO:0010842, OMIM 600195.

gnomAD v4.1: 1 of 1,614,030 alleles (0.000062%); highest among the groups gnomAD compares: Non-Finnish European, 0.000085%; no homozygotes.

Submission:

Juno Genomics, Hangzhou Juno Genomics, Inc
Classification: Uncertain significance for Glaucoma 3, primary congenital, E; Multiple cutaneous and mucosal venous malformations. Review status: criteria provided, single submitter. Criteria: ACMG Guidelines, 2015. Collection method: clinical testing. Allele origin: germline.
Comment: Absent from controls (or at extremely low frequency if recessive) in Genome Aggregation Database.